The following is an entry in ClinVar:

ClinVar aggregate classification (germline): Uncertain significance (1 of 4 stars; one submission).

Submission:

GeneDx
Classification: Uncertain significance. Last evaluated: 2025-04-09. Review status: criteria provided, single submitter. Criteria: GeneDx Variant Classification Process June 2021. Collection method: clinical testing. Allele origin: germline. Affected: yes.
Comment: Not observed at significant frequency in large population cohorts (gnomAD); In silico analysis supports a deleterious effect on splicing; Has not been previously published as pathogenic or benign to our knowledge

NM_024915.4(GRHL2):c.892-3C>G

Gene: GRHL2 (grainyhead like transcription factor 2; plus strand). Cytogenetic location: 8q22.3.
Variant type: single nucleotide variant.
Coding change: c.892-3C>G on transcript NM_024915.4 (MANE Select); 3 bases into the intron before coding-DNA position 892, C replaced by G.
Molecular consequence: intron variant.
Genome position (GRCh38, 1-based): chr8:101,577,405, C>G. VCF-style: chr8-101577405-C-G. GRCh37 (hg19) VCF-style: chr8-102589633-C-G.
Other names: c.892-3C>G (NM_001440447.1); c.844-3C>G (NM_001330593.2, NM_001440448.1).
Identifiers: ClinVar variation 4281838 (VCV004281838.1).